The following is an entry in ClinVar:

ClinVar aggregate classification (germline): Uncertain significance (1 of 4 stars; one submission).

Submission:

Labcorp Genetics (formerly Invitae), Labcorp
Classification: Uncertain significance. Last evaluated: 2025-04-22. Review status: criteria provided, single submitter. Criteria: Invitae Variant Classification Sherloc (09022015). Collection method: clinical testing. Allele origin: germline.
Comment: This sequence change replaces alanine, which is neutral and non-polar, with threonine, which is neutral and polar, at codon 11 of the TRPV6 protein (p.Ala11Thr). This variant is not present in population databases (gnomAD no frequency). This variant has not been reported in the literature in individuals affected with TRPV6-related conditions. Experimental studies and prediction algorithms are not available or were not evaluated, and the functional significance of this variant is currently unknown. In summary, the available evidence is currently insufficient to determine the role of this variant in disease. Therefore, it has been classified as a Variant of Uncertain Significance.

NM_018646.6(TRPV6):c.31G>A (p.Ala11Thr)

Gene: TRPV6 (transient receptor potential cation channel subfamily V member 6; minus strand). Cytogenetic location: 7q34.
Variant type: single nucleotide variant.
Coding change: c.31G>A on transcript NM_018646.6 (MANE Select); coding-DNA position 31, G replaced by A.
Protein change: p.Ala11Thr; replaces alanine 11 with threonine.
Molecular consequence: missense variant.
Genome position (GRCh38, 1-based): chr7:142,885,606, C>T on the plus strand (G>A on the coding strand, the complement: TRPV6 is on the minus strand). VCF-style: chr7-142885606-C-T. GRCh37 (hg19) VCF-style: chr7-142583351-C-T.
Other names: short protein forms A11T.
Identifiers: ClinVar variation 4698189 (VCV004698189.1).